The following is an entry in ClinVar:

ClinVar aggregate classification (germline): Uncertain significance. Review status: criteria provided, multiple submitters, no conflicts (2 of 4 stars). 2 submissions from 2 submitters: Uncertain significance (2). Last evaluated 2024-10-16.

Conditions:
Inborn genetic diseases. Identifiers: MedGen C0950123, MeSH D030342.

Submissions (2):

Labcorp Genetics (formerly Invitae), Labcorp
Classification: Uncertain significance. Last evaluated: 2024-10-16. Review status: criteria provided, single submitter. Criteria: Invitae Variant Classification Sherloc (09022015). Collection method: clinical testing. Allele origin: germline.
Comment: This sequence change replaces alanine, which is neutral and non-polar, with valine, which is neutral and non-polar, at codon 560 of the TNFRSF11A protein (p.Ala560Val). The frequency data for this variant in the population databases is considered unreliable, as metrics indicate poor data quality at this position in the gnomAD database. This variant has not been reported in the literature in individuals affected with TNFRSF11A-related conditions. An algorithm developed to predict the effect of missense changes on protein structure and function (PolyPhen-2) suggests that this variant is likely to be tolerated. In summary, the available evidence is currently insufficient to determine the role of this variant in disease. Therefore, it has been classified as a Variant of Uncertain Significance.

Ambry Genetics
Classification: Uncertain significance for Inborn genetic diseases. Last evaluated: 2024-03-18. Review status: criteria provided, single submitter. Criteria: Ambry Variant Classification Scheme 2023. Collection method: clinical testing. Allele origin: germline.

NM_003839.4(TNFRSF11A):c.1679C>T (p.Ala560Val)

Gene: TNFRSF11A (TNF receptor superfamily member 11a; plus strand). Cytogenetic location: 18q21.33.
Variant type: single nucleotide variant.
Coding change: c.1679C>T on transcript NM_003839.4 (MANE Select); coding-DNA position 1679, C replaced by T.
Protein change: p.Ala560Val; replaces alanine 560 with valine.
Molecular consequence: missense variant. On other transcripts: 3 prime UTR variant (1).
Genome position (GRCh38, 1-based): chr18:62,384,862, C>T. VCF-style: chr18-62384862-C-T. GRCh37 (hg19) VCF-style: chr18-60052095-C-T.
Other names: c.*103C>T (NM_001270949.2); c.842C>T, p.Ala281Val (NM_001270950.2); c.728C>T, p.Ala243Val (NM_001270951.2); c.1637C>T, p.Ala546Val (NM_001278268.2); short protein forms A243V, A281V, A560V, A546V.
Identifiers: ClinVar variation 3327493 (VCV003327493.3).